The following is an entry in ClinVar:

ClinVar aggregate classification (germline): Uncertain significance (1 of 4 stars; one submission).

Conditions:
Evans syndrome, immunodeficiency, and premature immunosenescence associated with tripeptidyl-peptidase II deficiency. Identifiers: MedGen CN231723. Disease mechanism: loss of function.

Allele frequency attached by ClinVar (database versions not stated): TOPMed below 0.00001; gnomAD 0.00001.
gnomAD v4.1: 1 of 1,612,264 alleles (0.000062%); highest among the groups gnomAD compares: Non-Finnish European, 0.000085%; no homozygotes.

Submission:

Labcorp Genetics (formerly Invitae), Labcorp
Classification: Uncertain significance for Evans syndrome, immunodeficiency, and premature immunosenescence associated with tripeptidyl-peptidase II deficiency. Last evaluated: 2022-04-25. Review status: criteria provided, single submitter. Criteria: Invitae Variant Classification Sherloc (09022015). Collection method: clinical testing. Allele origin: germline.
Comment: In summary, the available evidence is currently insufficient to determine the role of this variant in disease. Therefore, it has been classified as a Variant of Uncertain Significance. Algorithms developed to predict the effect of missense changes on protein structure and function are either unavailable or do not agree on the potential impact of this missense change (SIFT: "Deleterious"; PolyPhen-2: "Benign"; Align-GVGD: "Class C0"). This variant has not been reported in the literature in individuals affected with TPP2-related conditions. This variant is not present in population databases (gnomAD no frequency). This sequence change replaces asparagine, which is neutral and polar, with serine, which is neutral and polar, at codon 469 of the TPP2 protein (p.Asn469Ser).

NM_001330588.2(TPP2):c.1406A>G (p.Asn469Ser)

Gene: TPP2 (tripeptidyl peptidase 2; plus strand). Cytogenetic location: 13q33.1.
Variant type: single nucleotide variant.
Coding change: c.1406A>G on transcript NM_001330588.2 (MANE Select); coding-DNA position 1406, A replaced by G.
Protein change: p.Asn469Ser; replaces asparagine 469 with serine.
Molecular consequence: missense variant. On other transcripts: non-coding transcript variant (1).
Genome position (GRCh38, 1-based): chr13:102,635,599, A>G. VCF-style: chr13-102635599-A-G. GRCh37 (hg19) VCF-style: chr13-103287949-A-G.
Other names: c.1406A>G, p.Asn469Ser (NM_001367947.1, NM_003291.4); short protein forms N469S.
Identifiers: ClinVar variation 2067300 (VCV002067300.4), dbSNP rs1400277334, ClinGen allele CA388486637.